The following is an entry in ClinVar:

ClinVar aggregate classification (germline): Uncertain significance (1 of 4 stars; one submission).

Submission:

Labcorp Genetics (formerly Invitae), Labcorp
Classification: Uncertain significance. Last evaluated: 2025-06-19. Review status: criteria provided, single submitter. Criteria: Invitae Variant Classification Sherloc (09022015). Collection method: clinical testing. Allele origin: germline.
Comment: This sequence change replaces asparagine, which is neutral and polar, with serine, which is neutral and polar, at codon 1185 of the CLTC protein (p.Asn1185Ser). This variant is not present in population databases (gnomAD no frequency). This variant has not been reported in the literature in individuals affected with CLTC-related conditions. Experimental studies and prediction algorithms are not available or were not evaluated, and the functional significance of this variant is currently unknown. In summary, the available evidence is currently insufficient to determine the role of this variant in disease. Therefore, it has been classified as a Variant of Uncertain Significance.

NM_004859.4(CLTC):c.3542A>G (p.Asn1181Ser)

Gene: CLTC (clathrin heavy chain; plus strand). Cytogenetic location: 17q23.1.
Variant type: single nucleotide variant.
Coding change: c.3542A>G on transcript NM_004859.4 (MANE Select); coding-DNA position 3542, A replaced by G.
Protein change: p.Asn1181Ser; replaces asparagine 1181 with serine.
Molecular consequence: missense variant.
Genome position (GRCh38, 1-based): chr17:59,682,370, A>G. VCF-style: chr17-59682370-A-G. GRCh37 (hg19) VCF-style: chr17-57759731-A-G.
Other names: c.3554A>G, p.Asn1185Ser (NM_001288653.2); short protein forms N1181S, N1185S.
Identifiers: ClinVar variation 4798892 (VCV004798892.1).